The following is an entry in ClinVar:

NM_183050.4(BCKDHB):c.1039-164G>T

Gene: BCKDHB (branched chain keto acid dehydrogenase E1 subunit beta; plus strand). Cytogenetic location: 6q14.1.
Variant type: single nucleotide variant.
Coding change: c.1039-164G>T on transcript NM_183050.4 (MANE Select); 164 bases into the intron before coding-DNA position 1039, G replaced by T.
Molecular consequence: intron variant.
Genome position (GRCh38, 1-based): chr6:80,343,500, G>T. VCF-style: chr6-80343500-G-T. GRCh37 (hg19) VCF-style: chr6-81053217-G-T.
Other names: c.829-164G>T (NM_001318975.1); c.1039-164G>T (NM_000056.5).
Identifiers: ClinVar variation 683394 (VCV000683394.1), dbSNP rs2322763, ClinGen allele CA15448848.
Genomic context (GRCh38, chr6:80,343,500, plus strand): 5'-ATATACAGGTATAAAATGCATATGCATACATGAAAACACATAATAAAACTGGGATCATGC[G>T]AACATGCTGTTACCTGCTTTTTTCATATTACAGTATACTTAAATATTTTTAATGTCCTTA-3'

ClinVar aggregate classification (germline): Benign (1 of 4 stars; one submission).

Allele frequency attached by ClinVar (database versions not stated): 1000 Genomes Project 0.71406; TOPMed 0.77908; 1000 Genomes Project 30x 0.71705; gnomAD 0.77743.
gnomAD v4.1: 587,411 of 738,586 alleles (80%); highest among the groups gnomAD compares: Admixed American, 84%; 235,652 homozygotes.

Submission:

GeneDx
Classification: Benign. Last evaluated: 2018-06-14. Review status: criteria provided, single submitter. Criteria: GeneDx Variant Classification (06012015). Collection method: clinical testing. Allele origin: germline. Affected: yes.
Comment: This variant is considered likely benign or benign based on one or more of the following criteria: it is a conservative change, it occurs at a poorly conserved position in the protein, it is predicted to be benign by multiple in silico algorithms, and/or has population frequency not consistent with disease.